The following is an entry in ClinVar:

ClinVar aggregate classification (germline): Uncertain significance (1 of 4 stars; one submission).

Submission:

Ambry Genetics
Classification: Uncertain significance. Last evaluated: 2021-08-15. Review status: criteria provided, single submitter. Criteria: Ambry Variant Classification Scheme 2023. Collection method: clinical testing. Allele origin: germline.
Comment: The p.L1220R variant (also known as c.3659T>G), located in coding exon 31 of the PRKDC gene, results from a T to G substitution at nucleotide position 3659. The leucine at codon 1220 is replaced by arginine, an amino acid with dissimilar properties. This amino acid position is conserved. In addition, this alteration is predicted to be deleterious by in silico analysis. Since supporting evidence is limited at this time, the clinical significance of this alteration remains unclear.

NM_006904.7(PRKDC):c.3659T>G (p.Leu1220Arg)

Gene: PRKDC (protein kinase, DNA-activated, catalytic subunit; minus strand). Cytogenetic location: 8q11.21.
Variant type: single nucleotide variant.
Coding change: c.3659T>G on transcript NM_006904.7 (MANE Select); coding-DNA position 3659, T replaced by G.
Protein change: p.Leu1220Arg; replaces leucine 1220 with arginine.
Molecular consequence: missense variant.
Genome position (GRCh38, 1-based): chr8:47,893,327, A>C on the plus strand (T>G on the coding strand, the complement: PRKDC is on the minus strand). VCF-style: chr8-47893327-A-C. GRCh37 (hg19) VCF-style: chr8-48805887-A-C.
Other names: c.3659T>G, p.Leu1220Arg (NM_001081640.2); short protein forms L1220R.
Identifiers: ClinVar variation 1733649 (VCV001733649.2), dbSNP rs2551874347, ClinGen allele CA371150932.